The following is an entry in ClinVar:

ClinVar aggregate classification (germline): Uncertain significance (1 of 4 stars; one submission).

Conditions:
SDCCAG8-related disorder. Also called: SDCCAG8-related condition; SDCCAG8-Related Disorders.

Submission:

PreventionGenetics, part of Exact Sciences
Classification: Uncertain significance for SDCCAG8-related condition. Last evaluated: 2026-08-10. Review status: criteria provided, single submitter. Criteria: ACMG Guidelines, 2015. Collection method: clinical testing. Allele origin: germline.
Comment: The SDCCAG8 c.1120C>G variant is predicted to result in the amino acid substitution p.Arg374Gly. To our knowledge, this variant has not been reported in the literature. This variant is reported in 0.016% of alleles in individuals of European (Finnish) descent in gnomAD. At this time, the clinical significance of this variant is uncertain due to the absence of conclusive functional and genetic evidence.

NM_006642.5(SDCCAG8):c.1120C>G (p.Arg374Gly)

Gene: SDCCAG8 (SHH signaling and ciliogenesis regulator SDCCAG8; plus strand). Cytogenetic location: 1q43.
Variant type: single nucleotide variant.
Coding change: c.1120C>G on transcript NM_006642.5 (MANE Select); coding-DNA position 1120, C replaced by G.
Protein change: p.Arg374Gly; replaces arginine 374 with glycine.
Molecular consequence: missense variant.
Genome position (GRCh38, 1-based): chr1:243,330,591, C>G. VCF-style: chr1-243330591-C-G. GRCh37 (hg19) VCF-style: chr1-243493893-C-G.
Other names: c.217C>G, p.Arg73Gly (NM_001350246.2, NM_001350247.2, NM_001350251.2); c.1216C>G, p.Arg406Gly (NM_001350248.2); c.826C>G, p.Arg276Gly (NM_001350249.2); short protein forms R276G, R406G, R73G, R374G.
Identifiers: ClinVar variation 4994609 (VCV004994609.1).
Genomic context (GRCh38, chr1:243,330,591, plus strand): 5'-TCCTGGCAGGCTTTAATCCAGTGTGACCAGTTGAGGAAGGAGCTGGAGAGGCAGGCGGAG[C>G]GACTTGAAAAAGAACTTGCATCTCAGCAAGAGAAAAGGGCCATTGAGAAAGACATGATGA-3'
Protein context (NP_006633.1, residues 364-384): LRKELERQAE[Arg374Gly]LEKELASQQE